The following is an entry in ClinVar:

NM_006231.4(POLE):c.2697C>T (p.Ile899=)

Gene: POLE (DNA polymerase epsilon, catalytic subunit; minus strand). Cytogenetic location: 12q24.33.
Variant type: single nucleotide variant.
Coding change: c.2697C>T on transcript NM_006231.4 (MANE Select); coding-DNA position 2697, C replaced by T.
Protein change: p.Ile899=; no amino-acid change (isoleucine 899 retained).
Molecular consequence: synonymous variant.
Genome position (GRCh38, 1-based): chr12:132,664,013, G>A on the plus strand (C>T on the coding strand, the complement: POLE is on the minus strand). VCF-style: chr12-132664013-G-A. GRCh37 (hg19) VCF-style: chr12-133240599-G-A.
Identifiers: ClinVar variation 512210 (VCV000512210.12), dbSNP rs1555226416, ClinGen allele CA482735963.

ClinVar aggregate classification (germline): Likely benign. Review status: criteria provided, multiple submitters, no conflicts (2 of 4 stars). 3 submissions from 3 submitters: Likely benign (3). Last evaluated 2025-08-13.

Conditions:
Hereditary cancer-predisposing syndrome. Also called: Hereditary Cancer Syndrome; Neoplastic Syndromes, Hereditary; Tumor predisposition; Hereditary neoplastic syndrome. Identifiers: Orphanet 140162, MedGen C0027672, MeSH D009386, MONDO:0015356.

Allele frequency attached by ClinVar (database versions not stated): gnomAD exomes below 0.00001.

Submissions (3):

Labcorp Genetics (formerly Invitae), Labcorp
Classification: Likely benign. Last evaluated: 2025-08-13. Review status: criteria provided, single submitter. Criteria: Invitae Variant Classification Sherloc (09022015). Collection method: clinical testing. Allele origin: germline.

Ambry Genetics
Classification: Likely benign for Hereditary cancer-predisposing syndrome. Last evaluated: 2019-12-16. Review status: criteria provided, single submitter. Criteria: Ambry Variant Classification Scheme 2023. Collection method: clinical testing. Allele origin: germline.

GeneDx
Classification: Likely benign. Last evaluated: 2017-09-19. Review status: criteria provided, single submitter. Criteria: GeneDx Variant Classification (06012015). Collection method: clinical testing. Allele origin: germline. Affected: yes.
Comment: This variant is considered likely benign or benign based on one or more of the following criteria: it is a conservative change, it occurs at a poorly conserved position in the protein, it is predicted to be benign by multiple in silico algorithms, and/or has population frequency not consistent with disease.